The following is an entry in ClinVar:

ClinVar aggregate classification (germline): Uncertain significance (1 of 4 stars; one submission).

Allele frequency attached by ClinVar (database versions not stated): ExAC 0.00001; TOPMed 0.00003; gnomAD exomes 0.00004; ESP Exome Variant Server 0.00008.
gnomAD v4.1: 71 of 1,608,432 alleles (0.0044%); highest among the groups gnomAD compares: Non-Finnish European, 0.0056%; no homozygotes.

Submission:

Labcorp Genetics (formerly Invitae), Labcorp
Classification: Uncertain significance. Last evaluated: 2022-03-28. Review status: criteria provided, single submitter. Criteria: Invitae Variant Classification Sherloc (09022015). Collection method: clinical testing. Allele origin: germline.
Comment: This sequence change replaces serine, which is neutral and polar, with isoleucine, which is neutral and non-polar, at codon 260 of the XRCC4 protein (p.Ser260Ile). The frequency data for this variant in the population databases is considered unreliable, as metrics indicate poor data quality at this position in the gnomAD database. This variant has not been reported in the literature in individuals affected with XRCC4-related conditions. Algorithms developed to predict the effect of missense changes on protein structure and function are either unavailable or do not agree on the potential impact of this missense change (SIFT: "Not Available"; PolyPhen-2: "Probably Damaging"; Align-GVGD: "Not Available"). In summary, the available evidence is currently insufficient to determine the role of this variant in disease. Therefore, it has been classified as a Variant of Uncertain Significance.

NM_003401.5(XRCC4):c.779G>T (p.Ser260Ile)

Gene: XRCC4 (X-ray repair cross complementing 4; plus strand). Cytogenetic location: 5q14.2.
Variant type: single nucleotide variant.
Coding change: c.779G>T on transcript NM_003401.5 (MANE Select); coding-DNA position 779, G replaced by T.
Protein change: p.Ser260Ile; replaces serine 260 with isoleucine.
Molecular consequence: missense variant.
Genome position (GRCh38, 1-based): chr5:83,258,563, G>T. VCF-style: chr5-83258563-G-T. GRCh37 (hg19) VCF-style: chr5-82554382-G-T.
Other names: c.779G>T, p.Ser260Ile (NM_001131022.1, NM_001318012.3, NM_001318013.2 and 2 more transcripts); short protein forms S260I.
Identifiers: ClinVar variation 1927157 (VCV001927157.2), dbSNP rs374377372, ClinGen allele CA3332261.
Genomic context (GRCh38, chr5:83,258,563, plus strand): 5'-TCACATTCTCATCTCATTTTATTTCAGCTGCTGTAAGTAAAGATGATTCCATTATTTCAA[G>T]TCTTGATGTCACTGATATTGCACCAAGTAGAAAAAGGAGACAGCGAATGCAAAGAAATCT-3'
Protein context (NP_003392.1, residues 250-270): AVSKDDSIIS[Ser260Ile]LDVTDIAPSR